The following is an entry in ClinVar:

NM_000122.2(ERCC3):c.1011C>A (p.Val337=)

Gene: ERCC3 (ERCC excision repair 3, TFIIH core complex helicase subunit; minus strand). Cytogenetic location: 2q14.3.
Variant type: single nucleotide variant.
Coding change: c.1011C>A on transcript NM_000122.2 (MANE Select); coding-DNA position 1011, C replaced by A.
Protein change: p.Val337=; no amino-acid change (valine 337 retained).
Molecular consequence: synonymous variant.
Genome position (GRCh38, 1-based): chr2:127,288,676, G>T on the plus strand (C>A on the coding strand, the complement: ERCC3 is on the minus strand). VCF-style: chr2-127288676-G-T. GRCh37 (hg19) VCF-style: chr2-128046252-G-T.
Other names: c.819C>A, p.Val273= (NM_001303416.2, NM_001303418.2).
Identifiers: ClinVar variation 1692155 (VCV001692155.1), dbSNP rs961366896, ClinGen allele CA55339038.
Genomic context (GRCh38, chr2:127,288,676, plus strand): 5'-AGACACAACAGCCTGACCACCTTCTTAACTCTGGTACCACTTACCGCAGGGAAGAACAAT[G>T]ACCCCCGAACGTGCACGCCCGTTTCCAAACATCTTTCGCAAGCTCTTCTCCTGATAGGGT-3'
Protein context (NP_000113.1, residues 327-347): MFGNGRARSG[Val337=]IVLPCGAGKS

ClinVar aggregate classification (germline): Uncertain significance (1 of 4 stars; one submission).

Conditions:
Xeroderma pigmentosum (XP). Identifiers: Orphanet 910, MedGen C0043346, MONDO:0019600.

Allele frequency attached by ClinVar (database versions not stated): gnomAD exomes below 0.00001.
gnomAD v4.1: 2 of 1,614,086 alleles (0.00012%); highest among the groups gnomAD compares: East Asian, 0.0045%; no homozygotes.

Submission:

Sema4
Classification: Uncertain significance for Xeroderma pigmentosum. Last evaluated: 2022-03-18. Review status: criteria provided, single submitter. Criteria: Sema4 Curation Guidelines. Collection method: curation. Allele origin: germline.
Comment: The ERCC3 c.1011C>A (p.V337=) variant has not been reported in the literature to our knowledge. It was not observed in the large and broad cohorts of the Genome Aggregation Database (PMID: 32461654). The variant has not been reported in ClinVar. The nucleotide is moderately conserved and in silico tools that predict the effect of sequence changes on splicing suggest that this variant may create or strengthen a cryptic splice site, though these predictions have not been confirmed by functional studies. The evidence is insufficient to meet ACMG/AMP criteria for classifying the variant as benign or pathogenic. Thus, the clinical significance of this variant is currently uncertain.